The following is an entry in ClinVar:

ClinVar aggregate classification (germline): Pathogenic (1 of 4 stars; one submission).

Conditions:
Coxopodopatellar syndrome. Also called: Small patella syndrome; Congenital coxa vara, patella aplasia and tarsal synostosis; ISCHIOCOXOPODOPATELLAR SYNDROME; PATELLA APLASIA, COXA VARA, AND TARSAL SYNOSTOSIS; ISCHIOPATELLAR DYSPLASIA; SCOTT-TAOR SYNDROME. Identifiers: Orphanet 1509, MedGen C1840061, MONDO:0007841, OMIM 147891.

Submission:

MVZ Medizinische Genetik Mainz
Classification: Pathogenic for Coxopodopatellar syndrome. Last evaluated: 2023-09-12. Review status: criteria provided, single submitter. Criteria: UK Practice Guidelines For Variant Classification V4 01 2020. Collection method: clinical testing. Allele origin: germline. Inheritance: Autosomal dominant inheritance. Affected: yes. Observed: 1 variant allele.
Comment: PVS1,PM2_SUP

NM_001321120.2(TBX4):c.549+1G>A

Gene: TBX4 (T-box transcription factor 4; plus strand). Cytogenetic location: 17q23.2.
Variant type: single nucleotide variant.
Coding change: c.549+1G>A on transcript NM_001321120.2 (MANE Select); the canonical splice donor site of the intron after coding-DNA position 549, G replaced by A.
Molecular consequence: splice donor variant.
Genome position (GRCh38, 1-based): chr17:61,467,658, G>A. VCF-style: chr17-61467658-G-A. GRCh37 (hg19) VCF-style: chr17-59545019-G-A.
Other names: c.549+1G>A (NM_018488.3).
Identifiers: ClinVar variation 3061910 (VCV003061910.1), dbSNP rs2509555498, ClinGen allele CA400471902.